The following is an entry in ClinVar:

NM_004972.4(JAK2):c.2380T>A (p.Phe794Ile)

Genes: INSL6 (insulin like 6; minus strand), JAK2 (Janus kinase 2; plus strand). Cytogenetic location: 9p24.1.
Variant type: single nucleotide variant.
Coding change: c.2380T>A on transcript NM_004972.4 (MANE Select); coding-DNA position 2380, T replaced by A.
Protein change: p.Phe794Ile; replaces phenylalanine 794 with isoleucine.
Molecular consequence: missense variant. On other transcripts: non-coding transcript variant (2).
Genome position (GRCh38, 1-based): chr9:5,080,629, T>A. VCF-style: chr9-5080629-T-A. GRCh37 (hg19) VCF-style: chr9-5080629-T-A.
Other names: c.2380T>A, p.Phe794Ile (NM_001322194.2, NM_001322195.2, NM_001322196.2); c.1165T>A, p.Phe389Ile (NM_001322198.2, NM_001322199.2); c.1933T>A, p.Phe645Ile (NM_001322204.2); short protein forms F794I, F389I, F645I.
Identifiers: ClinVar variation 3701006 (VCV003701006.2).

ClinVar aggregate classification (germline): Uncertain significance (1 of 4 stars; one submission).

gnomAD v4.1: 2 of 1,607,434 alleles (0.00012%); highest among the groups gnomAD compares: Non-Finnish European, 0.00017%; no homozygotes.

Submission:

Labcorp Genetics (formerly Invitae), Labcorp
Classification: Uncertain significance. Last evaluated: 2025-07-17. Review status: criteria provided, single submitter. Criteria: Invitae Variant Classification Sherloc (09022015). Collection method: clinical testing. Allele origin: germline.
Comment: This sequence change replaces phenylalanine, which is neutral and non-polar, with isoleucine, which is neutral and non-polar, at codon 794 of the JAK2 protein (p.Phe794Ile). This variant is not present in population databases (gnomAD no frequency). This variant has not been reported in the literature in individuals affected with JAK2-related conditions. ClinVar contains an entry for this variant (Variation ID: 3701006). Invitae Evidence Modeling of protein sequence and biophysical properties (such as structural, functional, and spatial information, amino acid conservation, physicochemical variation, residue mobility, and thermodynamic stability) indicates that this missense variant is not expected to disrupt JAK2 protein function with a negative predictive value of 80%. In summary, the available evidence is currently insufficient to determine the role of this variant in disease. Therefore, it has been classified as a Variant of Uncertain Significance.